The following is an entry in ClinVar:

NM_001270508.2(TNFAIP3):c.1085A>C (p.Gln362Pro)

Gene: TNFAIP3 (TNF alpha induced protein 3; plus strand). Cytogenetic location: 6q23.3.
Variant type: single nucleotide variant.
Coding change: c.1085A>C on transcript NM_001270508.2 (MANE Select); coding-DNA position 1085, A replaced by C.
Protein change: p.Gln362Pro; replaces glutamine 362 with proline.
Molecular consequence: missense variant.
Genome position (GRCh38, 1-based): chr6:137,878,530, A>C. VCF-style: chr6-137878530-A-C. GRCh37 (hg19) VCF-style: chr6-138199667-A-C.
Other names: c.1085A>C, p.Gln362Pro (NM_001270507.2, NM_006290.4); c.1085A>C (NM_006290.2); short protein forms Q362P.
Identifiers: ClinVar variation 1946547 (VCV001946547.7), dbSNP rs967260183, ClinGen allele CA148262893.

ClinVar aggregate classification (germline): Uncertain significance. Review status: criteria provided, multiple submitters, no conflicts (2 of 4 stars). 2 submissions from 2 submitters: Uncertain significance (2). Last evaluated 2025-08-29.

Conditions:
Inborn genetic diseases. Identifiers: MedGen C0950123, MeSH D030342.

Allele frequency attached by ClinVar (database versions not stated): gnomAD exomes below 0.00001; TOPMed below 0.00001.
gnomAD v4.1: 3 of 1,614,266 alleles (0.00019%); highest among the groups gnomAD compares: Non-Finnish European, 0.00025%; no homozygotes.

Submissions (2):

Labcorp Genetics (formerly Invitae), Labcorp
Classification: Uncertain significance. Last evaluated: 2025-08-29. Review status: criteria provided, single submitter. Criteria: Invitae Variant Classification Sherloc (09022015). Collection method: clinical testing. Allele origin: germline.
Comment: This sequence change replaces glutamine, which is neutral and polar, with proline, which is neutral and non-polar, at codon 362 of the TNFAIP3 protein (p.Gln362Pro). This variant is present in population databases (no rsID available, gnomAD 0.0009%). This variant has not been reported in the literature in individuals affected with TNFAIP3-related conditions. ClinVar contains an entry for this variant (Variation ID: 1946547). Invitae Evidence Modeling of protein sequence and biophysical properties (such as structural, functional, and spatial information, amino acid conservation, physicochemical variation, residue mobility, and thermodynamic stability) indicates that this missense variant is not expected to disrupt TNFAIP3 protein function with a negative predictive value of 80%. In summary, the available evidence is currently insufficient to determine the role of this variant in disease. Therefore, it has been classified as a Variant of Uncertain Significance.

Ambry Genetics
Classification: Uncertain significance for Inborn genetic diseases. Last evaluated: 2023-02-22. Review status: criteria provided, single submitter. Criteria: Ambry Variant Classification Scheme 2023. Collection method: clinical testing. Allele origin: germline.